The following is an entry in ClinVar:

ClinVar aggregate classification (germline): Conflicting classifications of pathogenicity. Review status: criteria provided, conflicting classifications (1 of 4 stars). 2 submissions from 2 submitters: Likely pathogenic (1); Uncertain significance (1). Last evaluated 2024-11-07.

Conditions:
Progressive sclerosing poliodystrophy (MTDPS4A). Also called: Alpers Syndrome; ALPERS PROGRESSIVE INFANTILE POLIODYSTROPHY; Mitochondrial DNA depletion syndrome 4A (Alpers type); ALPERS DIFFUSE DEGENERATION OF CEREBRAL GRAY MATTER WITH HEPATIC CIRRHOSIS; Alpers-Huttenlocher Syndrome; Alpers-Huttenlocher Syndrome (AHS). Identifiers: Orphanet 726, MedGen C0205710, MONDO:0008758, OMIM 203700.
POLG-related disorder. Also called: POLG-Related Spectrum Disorders; POLG-related condition; POLG-Related Disorders. Identifiers: MedGen C4763519.

Allele frequency attached by ClinVar (database versions not stated): gnomAD exomes below 0.00001; ExAC 0.00001.

Submissions (2):

Blueprint Genetics
Classification: Likely pathogenic for POLG-related disorders. Last evaluated: 2024-11-07. Review status: criteria provided, single submitter. Criteria: ACMG Guidelines, 2015. Collection method: clinical testing. Allele origin: germline. Affected: yes. Observed: 4 variant alleles.

Labcorp Genetics (formerly Invitae), Labcorp
Classification: Uncertain significance for Progressive sclerosing poliodystrophy. Last evaluated: 2022-12-06. Review status: criteria provided, single submitter. Criteria: Invitae Variant Classification Sherloc (09022015). Collection method: clinical testing. Allele origin: germline.
Comment: In summary, the available evidence is currently insufficient to determine the role of this variant in disease. Therefore, it has been classified as a Variant of Uncertain Significance. This sequence change replaces methionine, which is neutral and non-polar, with valine, which is neutral and non-polar, at codon 1195 of the POLG protein (p.Met1195Val). This variant is not present in population databases (gnomAD no frequency). This variant has not been reported in the literature in individuals affected with POLG-related conditions. ClinVar contains an entry for this variant (Variation ID: 1525723). Advanced modeling of protein sequence and biophysical properties (such as structural, functional, and spatial information, amino acid conservation, physicochemical variation, residue mobility, and thermodynamic stability) performed at Invitae indicates that this missense variant is expected to disrupt POLG protein function.

NM_002693.3(POLG):c.3583A>G (p.Met1195Val)

Gene: POLG (DNA polymerase gamma, catalytic subunit; minus strand). Cytogenetic location: 15q26.1.
Variant type: single nucleotide variant.
Coding change: c.3583A>G on transcript NM_002693.3 (MANE Select); coding-DNA position 3583, A replaced by G.
Protein change: p.Met1195Val; replaces methionine 1195 with valine.
Molecular consequence: missense variant.
Genome position (GRCh38, 1-based): chr15:89,317,436, T>C on the plus strand (A>G on the coding strand, the complement: POLG is on the minus strand). VCF-style: chr15-89317436-T-C. GRCh37 (hg19) VCF-style: chr15-89860667-T-C.
Other names: c.3583A>G, p.Met1195Val (NM_001126131.2); short protein forms M1195V.
Identifiers: ClinVar variation 1525723 (VCV001525723.7), dbSNP rs764233623, ClinGen allele CA7724091.